The following is an entry in ClinVar:

NM_001303256.3(MORC2):c.2449G>T (p.Val817Leu)

Gene: MORC2 (MORC family CW-type zinc finger 2; minus strand). Cytogenetic location: 22q12.2.
Variant type: single nucleotide variant.
Coding change: c.2449G>T on transcript NM_001303256.3 (MANE Select); coding-DNA position 2449, G replaced by T.
Protein change: p.Val817Leu; replaces valine 817 with leucine.
Molecular consequence: missense variant.
Genome position (GRCh38, 1-based): chr22:30,932,962, C>A on the plus strand (G>T on the coding strand, the complement: MORC2 is on the minus strand). VCF-style: chr22-30932962-C-A. GRCh37 (hg19) VCF-style: chr22-31328949-C-A.
Other names: c.2449G>T, p.Val817Leu (NM_001303257.2); c.2263G>T, p.Val755Leu (NM_014941.3); short protein forms V755L, V817L.
Identifiers: ClinVar variation 1326751 (VCV001326751.2), dbSNP rs752066714, ClinGen allele CA10186648.
Genomic context (GRCh38, chr22:30,932,962, plus strand): 5'-GTGTCGTGTCTGTGGGCACGTAGTCAAACTTCACCTTCCACCGCACCACATGCTTGCCCA[C>A]CTCCACGGCTGTGACACGGCCCGTGTACCACTCCCTGTTCACACGCACCTCCACGTGCAG-3'
Protein context (NP_001290185.1, residues 807-827): WYTGRVTAVE[Val817Leu]GKHVVRWKVK

ClinVar aggregate classification (germline): Uncertain significance (1 of 4 stars; one submission).

Allele frequency attached by ClinVar (database versions not stated): gnomAD exomes below 0.00001; TOPMed below 0.00001; ExAC 0.00001; gnomAD 0.00001.

Submission:

GeneDx
Classification: Uncertain significance. Last evaluated: 2021-05-25. Review status: criteria provided, single submitter. Criteria: GeneDx Variant Classification Process June 2021. Collection method: clinical testing. Allele origin: germline. Affected: yes.
Comment: Not observed at significant frequency in large population cohorts (Lek et al., 2016); In silico analysis supports that this missense variant does not alter protein structure/function; Has not been previously published as pathogenic or benign to our knowledge